The following is an entry in ClinVar:

NM_003742.4(ABCB11):c.1620C>A (p.Phe540Leu)

Gene: ABCB11 (ATP binding cassette subfamily B member 11; minus strand). Cytogenetic location: 2q31.1.
Variant type: single nucleotide variant.
Coding change: c.1620C>A on transcript NM_003742.4 (MANE Select); coding-DNA position 1620, C replaced by A.
Protein change: p.Phe540Leu; replaces phenylalanine 540 with leucine.
Molecular consequence: missense variant.
Genome position (GRCh38, 1-based): chr2:168,971,865, G>T on the plus strand (C>A on the coding strand, the complement: ABCB11 is on the minus strand). VCF-style: chr2-168971865-G-T. GRCh37 (hg19) VCF-style: chr2-169828375-G-T.
Other names: short protein forms F540L.
Identifiers: ClinVar variation 4845997 (VCV004845997.1).

ClinVar aggregate classification (germline): Uncertain significance (1 of 4 stars; one submission).

Conditions:
Familial intrahepatic cholestasis. Identifiers: Orphanet 284385, MedGen CN296401, MONDO:0017290.

Submission:

Genomenon, Inc
Classification: Uncertain significance for Familial intrahepatic cholestasis. Last evaluated: 2026-04-14. Review status: criteria provided, single submitter. Criteria: Genomenon Sequence Variant Interpretation Standards - Updated. Collection method: curation. Allele origin: germline. Affected: yes.
Comment: ABCB11 p.Phe540Leu (c.1620C>A) is a missense variant that changes the amino acid at residue 540 from Phenylalanine to Leucine. This variant has been observed in at least one proband with an ABCB11-related disorder (PMID:18049162). It is absent or not present at a significant frequency in gnomAD. In silico models predict that this variant is possibly or probably damaging. In conclusion, we classify ABCB11 p.Phe540Leu (c.1620C>A) as a variant of uncertain significance.

Literature cited by the submitters: PubMed 18049162.